The following is an entry in ClinVar:

NM_025074.7(FRAS1):c.2208T>C (p.His736=)

Gene: FRAS1 (Fraser extracellular matrix complex subunit 1; plus strand). Cytogenetic location: 4q21.21.
Variant type: single nucleotide variant.
Coding change: c.2208T>C on transcript NM_025074.7 (MANE Select); coding-DNA position 2208, T replaced by C.
Protein change: p.His736=; no amino-acid change (histidine 736 retained).
Molecular consequence: synonymous variant.
Genome position (GRCh38, 1-based): chr4:78,333,342, T>C. VCF-style: chr4-78333342-T-C. GRCh37 (hg19) VCF-style: chr4-79254496-T-C.
Other names: c.2208T>C, p.His736= (NM_001166133.2); c.2208T>C (NM_025074.6).
Identifiers: ClinVar variation 2911980 (VCV002911980.5), dbSNP rs777170581, ClinGen allele CA2976582.

ClinVar aggregate classification (germline): Likely benign. Review status: criteria provided, single submitter (1 of 4 stars). 2 submissions from 2 submitters: Likely benign (1). 1 of the submissions does not count toward it. Last evaluated 2024-09-08.

Conditions:
FRAS1-related disorder. Also called: FRAS1-related condition.

Allele frequency attached by ClinVar (database versions not stated): gnomAD 0.00002; TOPMed 0.00002; ExAC 0.00003.
gnomAD v4.1: 76 of 1,612,530 alleles (0.0047%); highest among the groups gnomAD compares: Non-Finnish European, 0.0062%; no homozygotes.

Submissions (2):

Labcorp Genetics (formerly Invitae), Labcorp
Classification: Likely benign. Last evaluated: 2024-09-08. Review status: criteria provided, single submitter. Criteria: Invitae Variant Classification Sherloc (09022015). Collection method: clinical testing. Allele origin: germline.

PreventionGenetics, part of Exact Sciences
Classification: Likely benign for FRAS1-related condition. Last evaluated: 2021-08-30. Review status: no assertion criteria provided. Collection method: clinical testing. Allele origin: germline. Not counted in ClinVar's aggregate classification.
Comment: This variant is classified as likely benign based on ACMG/AMP sequence variant interpretation guidelines (Richards et al. 2015 PMID: 25741868, with internal and published modifications).